The following is an entry in ClinVar:

ClinVar aggregate classification (germline): Conflicting classifications of pathogenicity. Review status: criteria provided, conflicting classifications (1 of 4 stars). 5 submissions from 5 submitters: Uncertain significance (1); Benign (2); Likely benign (2). Last evaluated 2026-02-02.

Conditions:
Pontocerebellar hypoplasia type 9. Identifiers: Orphanet 369920, MedGen C4014354, MONDO:0014351, OMIM 615809.
Hereditary spastic paraplegia 63. Also called: Spastic paraplegia 63, autosomal recessive. Identifiers: Orphanet 401805, MedGen C3810295, MONDO:0014305, OMIM 615686.

Allele frequency attached by ClinVar (database versions not stated): 1000 Genomes Project 0.00080; 1000 Genomes Project 30x 0.00109; gnomAD exomes 0.00294; ExAC 0.00304; gnomAD 0.00307 and 0.00316; TOPMed 0.00311; ESP Exome Variant Server 0.00392.
gnomAD v4.1: 8,091 of 1,613,894 alleles (0.5%); highest among the groups gnomAD compares: Non-Finnish European, 0.64%; 23 homozygotes.

Submissions (5):

Labcorp Genetics (formerly Invitae), Labcorp
Classification: Benign for Pontocerebellar hypoplasia type 9; Hereditary spastic paraplegia 63. Last evaluated: 2026-02-02. Review status: criteria provided, single submitter. Criteria: Invitae Variant Classification Sherloc (09022015). Collection method: clinical testing. Allele origin: germline.

Blueprint Genetics
Classification: Likely benign. Last evaluated: 2024-11-20. Review status: criteria provided, single submitter. Criteria: ACMG Guidelines, 2015. Collection method: clinical testing. Allele origin: germline.

CeGaT Center for Human Genetics Tuebingen
Classification: Likely benign. Last evaluated: 2023-03-01. Review status: criteria provided, single submitter. Criteria: CeGaT Center For Human Genetics Tuebingen Variant Classification Criteria Version 2. Collection method: clinical testing. Allele origin: germline. Affected: yes. Observed: 3 variant alleles.
Comment: AMPD2: BP4, BP7

GeneDx
Classification: Benign. Last evaluated: 2020-12-16. Review status: criteria provided, single submitter. Criteria: GeneDx Variant Classification Process June 2021. Collection method: clinical testing. Allele origin: germline. Affected: yes.

Genetic Services Laboratory, University of Chicago
Classification: Uncertain significance. Last evaluated: 2015-01-28. Review status: criteria provided, single submitter. Criteria: ACMG Guidelines, 2015. Collection method: clinical testing. Allele origin: germline.

NM_001368809.2(AMPD2):c.1242C>T (p.Tyr414=)

Genes: AMPD2 (adenosine monophosphate deaminase 2; plus strand), LOC126805822 (BRD4-independent group 4 enhancer GRCh37_chr1:110170748-110171947; plus strand). Cytogenetic location: 1p13.3.
Variant type: single nucleotide variant.
Coding change: c.1242C>T on transcript NM_001368809.2 (MANE Select); coding-DNA position 1242, C replaced by T.
Protein change: p.Tyr414=; no amino-acid change (tyrosine 414 retained).
Molecular consequence: synonymous variant.
Genome position (GRCh38, 1-based): chr1:109,628,244, C>T. VCF-style: chr1-109628244-C-T. GRCh37 (hg19) VCF-style: chr1-110170866-C-T.
Other names: c.1404C>T (NM_001257360.1); c.1050C>T, p.Tyr350= (NM_001257361.2); c.1179C>T, p.Tyr393= (NM_001308170.1); c.1242C>T, p.Tyr414= (NM_004037.9); c.1161C>T, p.Tyr387= (NM_139156.4).
Identifiers: ClinVar variation 210136 (VCV000210136.50), dbSNP rs114727970, ClinGen allele CA205620.